The following is an entry in ClinVar:

NM_014712.3(SETD1A):c.3327C>T (p.Pro1109=)

Gene: SETD1A (SET domain containing 1A, histone lysine methyltransferase; plus strand). Cytogenetic location: 16p11.2.
Variant type: single nucleotide variant.
Coding change: c.3327C>T on transcript NM_014712.3 (MANE Select); coding-DNA position 3327, C replaced by T.
Protein change: p.Pro1109=; no amino-acid change (proline 1109 retained).
Molecular consequence: synonymous variant.
Genome position (GRCh38, 1-based): chr16:30,971,688, C>T. VCF-style: chr16-30971688-C-T. GRCh37 (hg19) VCF-style: chr16-30983009-C-T.
Identifiers: ClinVar variation 3341864 (VCV003341864.16).
Genomic context (GRCh38, chr16:30,971,688, plus strand): 5'-AGCACCTGTGGAGGTGCCAGTGCCGGAAAGGGTTGCAGGCTCCCCAGTCACACCCCTGCC[C>T]GAACAGGAGGCGTCTCCAGCAAGGCCTGCAGGTAGGTGCCACAGGGCTGTCGGTTAGATC-3'
Protein context (NP_055527.1, residues 1099-1119): RVAGSPVTPL[Pro1109=]EQEASPARPA

ClinVar aggregate classification (germline): Likely benign (1 of 4 stars; one submission).

gnomAD v4.1: 133 of 1,589,136 alleles (0.0084%); highest among the groups gnomAD compares: Non-Finnish European, 0.01%; no homozygotes.

Submission:

CeGaT Center for Human Genetics Tuebingen
Classification: Likely benign. Last evaluated: 2024-08-01. Review status: criteria provided, single submitter. Criteria: CeGaT Center For Human Genetics Tuebingen Variant Classification Criteria Version 2. Collection method: clinical testing. Allele origin: germline. Affected: yes. Observed: 1 variant allele.
Comment: SETD1A: BP4, BP7